The following is an entry in ClinVar:

ClinVar aggregate classification (germline): Uncertain significance (1 of 4 stars; one submission).

Submission:

Laboratory for Molecular Medicine, Mass General Brigham Personalized Medicine
Classification: Uncertain significance. Last evaluated: 2014-02-13. Review status: criteria provided, single submitter. Criteria: LMM Criteria. Collection method: clinical testing. Allele origin: germline. Observed: 1 variant allele.
Comment: The Pro14084Leu variant in TTN has not been previously reported in individuals w ith cardiomyopathy or in large population studies. Computational prediction tool s are limited for this variant but proline (Pro) at position 14084 is conserved in mammals and evolutionarily distant species, raising the possibility that a ch ange at this position may not be tolerated. Additional information is needed to fully assess the clinical significance of the Pro14084Leu variant.

NM_001267550.2(TTN):c.49955C>T (p.Pro16652Leu)

Genes: TTN (titin; minus strand), TTN-AS1 (TTN antisense RNA 1; plus strand). Cytogenetic location: 2q31.2.
Variant type: single nucleotide variant.
Coding change: c.49955C>T on transcript NM_001267550.2 (MANE Select); coding-DNA position 49955, C replaced by T.
Protein change: p.Pro16652Leu; replaces proline 16652 with leucine.
Molecular consequence: missense variant.
Genome position (GRCh38, 1-based): chr2:178,612,570, G>A on the plus strand (C>T on the coding strand, the complement: TTN is on the minus strand). VCF-style: chr2-178612570-G-A. GRCh37 (hg19) VCF-style: chr2-179477297-G-A.
Other names: c.42251C>T, p.Pro14084Leu (NM_133378.4); c.45032C>T, p.Pro15011Leu (NM_001256850.1); c.22760C>T, p.Pro7587Leu (NM_003319.4); c.23135C>T, p.Pro7712Leu (NM_133432.3); c.23336C>T, p.Pro7779Leu (NM_133437.4); short protein forms P14084L, P16652L, P7712L, P7779L, P15011L, P7587L.
Identifiers: ClinVar variation 179583 (VCV000179583.5), dbSNP rs727504966, ClinGen allele CA184714.